The following is an entry in ClinVar:

NM_021942.6(TRAPPC11):c.2749C>T (p.Leu917Phe)

Gene: TRAPPC11 (trafficking protein particle complex subunit 11; plus strand). Cytogenetic location: 4q35.1.
Variant type: single nucleotide variant.
Coding change: c.2749C>T on transcript NM_021942.6 (MANE Select); coding-DNA position 2749, C replaced by T.
Protein change: p.Leu917Phe; replaces leucine 917 with phenylalanine.
Molecular consequence: missense variant.
Genome position (GRCh38, 1-based): chr4:183,697,733, C>T. VCF-style: chr4-183697733-C-T. GRCh37 (hg19) VCF-style: chr4-184618886-C-T.
Other names: c.2749C>T, p.Leu917Phe (NM_199053.3); c.2749C>T (NM_021942.4); short protein forms L917F.
Identifiers: ClinVar variation 1416483 (VCV001416483.8), dbSNP rs554771345, ClinGen allele CA3152309.
Genomic context (GRCh38, chr4:183,697,733, plus strand): 5'-TGACAGTTTGAGCACCTGGAAAGGGTTTATGCTGACATCCCCTTTCTGTTGATGACGGAC[C>T]TCTTAAGTGCCTCACCCTGGGCCCTCACTATTGTTTCCAGTGAGCTCCAGCTTGCTCCAT-3'
Protein context (NP_068761.4, residues 907-927): ADIPFLLMTD[Leu917Phe]LSASPWALTI

ClinVar aggregate classification (germline): Uncertain significance. Review status: criteria provided, multiple submitters, no conflicts (2 of 4 stars). 2 submissions from 2 submitters: Uncertain significance (2). Last evaluated 2022-08-31.

Conditions:
Inborn genetic diseases. Identifiers: MedGen C0950123, MeSH D030342.
Autosomal recessive limb-girdle muscular dystrophy type R18 (LGMDR18). Also called: Autosomal recessive limb-girdle muscular dystrophy type 2S; Limb-girdle muscular dystrophy, type 2S; MUSCULAR DYSTROPHY, LIMB-GIRDLE, AUTOSOMAL RECESSIVE 18. Identifiers: Orphanet 369840, MedGen C4517996, MONDO:0014144, OMIM 615356.

Allele frequency attached by ClinVar (database versions not stated): gnomAD exomes below 0.00001; ExAC 0.00001; TOPMed 0.00001; gnomAD 0.00003; 1000 Genomes Project 0.00020; 1000 Genomes Project 30x 0.00031.

Submissions (2):

Labcorp Genetics (formerly Invitae), Labcorp
Classification: Uncertain significance for Autosomal recessive limb-girdle muscular dystrophy type R18. Last evaluated: 2022-08-31. Review status: criteria provided, single submitter. Criteria: Invitae Variant Classification Sherloc (09022015). Collection method: clinical testing. Allele origin: germline.
Comment: This sequence change replaces leucine, which is neutral and non-polar, with phenylalanine, which is neutral and non-polar, at codon 917 of the TRAPPC11 protein (p.Leu917Phe). In summary, the available evidence is currently insufficient to determine the role of this variant in disease. Therefore, it has been classified as a Variant of Uncertain Significance. Algorithms developed to predict the effect of missense changes on protein structure and function are either unavailable or do not agree on the potential impact of this missense change (SIFT: "Deleterious"; PolyPhen-2: "Benign"; Align-GVGD: "Class C0"). ClinVar contains an entry for this variant (Variation ID: 1416483). This variant has not been reported in the literature in individuals affected with TRAPPC11-related conditions. This variant is present in population databases (rs554771345, gnomAD 0.007%).

Ambry Genetics
Classification: Uncertain significance for Inborn genetic diseases. Last evaluated: 2022-07-21. Review status: criteria provided, single submitter. Criteria: Ambry Variant Classification Scheme 2023. Collection method: clinical testing. Allele origin: germline.